The following is an entry in ClinVar:

NM_003403.5(YY1):c.581GCG[5] (p.Gly197_Ala198insGly)

Gene: YY1 (YY1 transcription factor; plus strand). Cytogenetic location: 14q32.2.
Variant type: Microsatellite.
Coding change: c.581GCG[5] on transcript NM_003403.5 (MANE Select); five copies in a row of the 3-base unit GCG starting at c.581; the reference has four copies in a row; one copy, 3 bases duplicated.
Protein change: p.Gly197_Ala198insGly.
Molecular consequence: inframe indel (on NM_003403.4).
Genome position (GRCh38, 1-based): chr14:100,239,834-100,239,836, GCG duplicated; duplicating any 3 consecutive bases within chr14:100,239,824-100,239,836 gives the same sequence; the position shown is the placement nearest the transcript's 3' end. VCF-style (leftmost placement, unchanged base first): chr14-100239823-G-GGGC. GRCh37 (hg19) VCF-style: chr14-100706160-G-GGGC.
Other names: c.581_583GCG[5], p.Gly197_Ala198insGly (NM_003403.4); c.590_592dupGCG (NM_003403.4).
Identifiers: ClinVar variation 3061720 (VCV003061720.2), dbSNP rs1306986688, ClinGen allele CA616578833.

ClinVar aggregate classification (germline): Uncertain significance (0 of 4 stars; one submission).

Conditions:
YY1-related disorder. Also called: YY1-related condition.

Submission:

PreventionGenetics, part of Exact Sciences
Classification: Uncertain significance for YY1-related condition. Last evaluated: 2024-02-05. Review status: no assertion criteria provided. Collection method: clinical testing. Allele origin: germline.
Comment: The YY1 c.590_592dupGCG variant is predicted to result in an in-frame duplication (p.Gly197dup). To our knowledge, this variant has not been reported in the literature. This variant is reported in 0.0068% of alleles in individuals of European (Non-Finnish) descent in gnomAD. Although we suspect that this variant may be pathogenic, at this time, the clinical significance of this variant is uncertain due to the absence of conclusive functional and genetic evidence.